The following is an entry in ClinVar:

ClinVar aggregate classification (germline): Conflicting classifications of pathogenicity. Review status: criteria provided, conflicting classifications (1 of 4 stars). 6 submissions from 6 submitters: Uncertain significance (1); Benign (1); Likely benign (3). 1 of the submissions does not count toward it. Last evaluated 2025-10-13.

Conditions:
WDR62-related disorder. Also called: WDR62-related condition.
Microcephaly 2, primary, autosomal recessive, with or without cortical malformations. Also called: MICROCEPHALY 2, PRIMARY, AUTOSOMAL RECESSIVE, WITH CORTICAL MALFORMATIONS; WDR62 Primary Microcephaly. Identifiers: Orphanet 2512, MedGen C1858535, MONDO:0011435, OMIM 604317.

Allele frequency attached by ClinVar (database versions not stated): ESP Exome Variant Server 0.00161; 1000 Genomes Project 30x 0.00187; gnomAD exomes 0.00013 and 0.00043; ExAC 0.00052; gnomAD 0.00130 and 0.00138; TOPMed 0.00145; 1000 Genomes Project 0.00160.
gnomAD v4.1: 404 of 1,614,174 alleles (0.025%); highest among the groups gnomAD compares: African/African-American, 0.48%; 1 homozygote.

Submissions (6):

Labcorp Genetics (formerly Invitae), Labcorp
Classification: Benign. Last evaluated: 2025-10-13. Review status: criteria provided, single submitter. Criteria: Invitae Variant Classification Sherloc (09022015). Collection method: clinical testing. Allele origin: germline.

GeneDx
Classification: Likely benign. Last evaluated: 2020-10-06. Review status: criteria provided, single submitter. Criteria: GeneDx Variant Classification Process June 2021. Collection method: clinical testing. Allele origin: germline. Affected: yes.

Eurofins Ntd Llc (ga)
Classification: Likely benign. Last evaluated: 2018-08-01. Review status: criteria provided, single submitter. Criteria: EGL ClinVar v180209 classification definitions. Collection method: clinical testing. Allele origin: germline. Observed: 1 variant allele, 1 heterozygote.

Illumina Laboratory Services, Illumina
Classification: Likely benign for Microcephaly 2, primary, autosomal recessive, with or without cortical malformations. Last evaluated: 2018-01-13. Review status: criteria provided, single submitter. Criteria: ICSL Variant Classification Criteria 13 December 2019. Collection method: clinical testing. Allele origin: germline.
Comment: This variant was observed in the ICSL laboratory as part of a predisposition screen in an ostensibly healthy population. It had not been previously curated by ICSL or reported in the Human Gene Mutation Database (HGMD: prior to June 1st, 2018), and was therefore a candidate for classification through an automated scoring system. Utilizing variant allele frequency, disease prevalence and penetrance estimates, and inheritance mode, an automated score was calculated to assess if this variant is too frequent to cause the disease. Based on the score and internal cut-off values, a variant classified as likely benign is not then subjected to further curation. The score for this variant resulted in a classification of likely benign for this disease.

Genetic Services Laboratory, University of Chicago
Classification: Uncertain significance. Last evaluated: 2015-03-11. Review status: criteria provided, single submitter. Criteria: ACMG Guidelines, 2015. Collection method: clinical testing. Allele origin: germline.

PreventionGenetics, part of Exact Sciences
Classification: Likely benign for WDR62-related condition. Last evaluated: 2022-07-08. Review status: no assertion criteria provided. Collection method: clinical testing. Allele origin: germline. Not counted in ClinVar's aggregate classification.
Comment: This variant is classified as likely benign based on ACMG/AMP sequence variant interpretation guidelines (Richards et al. 2015 PMID: 25741868, with internal and published modifications).

NM_001083961.2(WDR62):c.1359C>T (p.Asn453=)

Gene: WDR62 (WD repeat domain 62; plus strand). Cytogenetic location: 19q13.12.
Variant type: single nucleotide variant.
Coding change: c.1359C>T on transcript NM_001083961.2 (MANE Select); coding-DNA position 1359, C replaced by T.
Protein change: p.Asn453=; no amino-acid change (asparagine 453 retained).
Molecular consequence: synonymous variant.
Genome position (GRCh38, 1-based): chr19:36,081,558, C>T. VCF-style: chr19-36081558-C-T. GRCh37 (hg19) VCF-style: chr19-36572460-C-T.
Other names: c.1359C>T, p.Asn453= (NM_173636.5).
Identifiers: ClinVar variation 212598 (VCV000212598.26), dbSNP rs148667984, ClinGen allele CA206476.